The following is an entry in ClinVar:

ClinVar aggregate classification (germline): Likely benign (1 of 4 stars; one submission).

Allele frequency attached by ClinVar (database versions not stated): gnomAD 0.00188.
gnomAD v4.1: 21 of 11,272 alleles (0.19%); highest among the groups gnomAD compares: African/African-American, 0.21%; 4 homozygotes.

Submission:

CeGaT Center for Human Genetics Tuebingen
Classification: Likely benign. Last evaluated: 2022-11-01. Review status: criteria provided, single submitter. Criteria: CeGaT Center For Human Genetics Tuebingen Variant Classification Criteria Version 2. Collection method: clinical testing. Allele origin: germline. Affected: yes. Observed: 1 variant allele.
Comment: GRTP1: BS2

NM_024719.4(GRTP1):c.466-1640G>A

Gene: GRTP1 (growth hormone regulated TBC protein 1; minus strand). Cytogenetic location: 13q34.
Variant type: single nucleotide variant.
Coding change: c.466-1640G>A on transcript NM_024719.4 (MANE Select); 1640 bases into the intron before coding-DNA position 466, G replaced by A.
Molecular consequence: intron variant.
Genome position (GRCh38, 1-based): chr13:113,346,599, C>T on the plus strand (G>A on the coding strand, the complement: GRTP1 is on the minus strand). VCF-style: chr13-113346599-C-T. GRCh37 (hg19) VCF-style: chr13-114000914-C-T.
Other names: c.466-1640G>A (NM_001286733.1, NM_001286732.2); c.232-1640G>A (NM_001411029.1).
Identifiers: ClinVar variation 2643994 (VCV002643994.24), dbSNP rs1381834691, ClinGen allele CA612715675.
Genomic context (GRCh38, chr13:113,346,599, plus strand): 5'-CCTCTGTGGCAAAGAGCAGACCCAGGAGGACCTCTGTGGCCGAGAACAGACCCGGGAGGA[C>T]CTCTGTGCCTGACAGTGGACCCGGGAGGACCTCTGTGGCTGAGAGCGGACCTGGGAGGAC-3'